The following is an entry in ClinVar:

NM_005431.2(XRCC2):c.173T>C (p.Leu58Pro)

Gene: XRCC2 (X-ray repair cross complementing 2; minus strand). Cytogenetic location: 7q36.1.
Variant type: single nucleotide variant.
Coding change: c.173T>C on transcript NM_005431.2 (MANE Select); coding-DNA position 173, T replaced by C.
Protein change: p.Leu58Pro; replaces leucine 58 with proline.
Molecular consequence: missense variant.
Genome position (GRCh38, 1-based): chr7:152,649,312, A>G on the plus strand (T>C on the coding strand, the complement: XRCC2 is on the minus strand). VCF-style: chr7-152649312-A-G. GRCh37 (hg19) VCF-style: chr7-152346397-A-G.
Other names: short protein forms L58P.
Identifiers: ClinVar variation 4202854 (VCV004202854.1).

ClinVar aggregate classification (germline): Uncertain significance (1 of 4 stars; one submission).

Conditions:
Hereditary cancer-predisposing syndrome. Also called: Neoplastic Syndromes, Hereditary; Tumor predisposition; Hereditary Cancer Syndrome; Hereditary neoplastic syndrome. Identifiers: Orphanet 140162, MedGen C0027672, MeSH D009386, MONDO:0015356.

Submission:

Ambry Genetics
Classification: Uncertain significance for Hereditary cancer-predisposing syndrome. Last evaluated: 2025-06-17. Review status: criteria provided, single submitter. Criteria: Ambry Variant Classification Scheme 2023. Collection method: clinical testing. Allele origin: germline.
Comment: The p.L58P variant (also known as c.173T>C), located in coding exon 3 of the XRCC2 gene, results from a T to C substitution at nucleotide position 173. The leucine at codon 58 is replaced by proline, an amino acid with similar properties. This amino acid position is conserved. In addition, this alteration is predicted to be deleterious by in silico analysis. Based on the available evidence, the clinical significance of this variant remains unclear.